The following is an entry in ClinVar:

ClinVar aggregate classification (germline): Likely pathogenic (1 of 4 stars; one submission).

Conditions:
Dilated cardiomyopathy 1J (CMD1J). Also called: CARDIOMYOPATHY, DILATED, WITH SENSORINEURAL HEARING LOSS, AUTOSOMAL DOMINANT. Identifiers: Orphanet 217622, MedGen C1854368, MONDO:0011541, OMIM 605362.

Allele frequency attached by ClinVar (database versions not stated): gnomAD exomes below 0.00001.
gnomAD v4.1: 2 of 1,612,682 alleles (0.00012%); highest among the groups gnomAD compares: Non-Finnish European, 0.00017%; no homozygotes.

Submissions (2):

Labcorp Genetics (formerly Invitae), Labcorp
Classification: Likely pathogenic for Dilated cardiomyopathy 1J. Last evaluated: 2022-09-12. Review status: criteria provided, single submitter. Criteria: Invitae Variant Classification Sherloc (09022015). Collection method: clinical testing. Allele origin: germline.
Comment: In summary, the currently available evidence indicates that the variant is pathogenic, but additional data are needed to prove that conclusively. Therefore, this variant has been classified as Likely Pathogenic. Algorithms developed to predict the effect of sequence changes on RNA splicing suggest that this variant may disrupt the consensus splice site. ClinVar contains an entry for this variant (Variation ID: 1065975). This variant has not been reported in the literature in individuals affected with EYA4-related conditions. This variant is not present in population databases (gnomAD no frequency). This sequence change affects a donor splice site in intron 11 of the EYA4 gene. It is expected to disrupt RNA splicing. Variants that disrupt the donor or acceptor splice site typically lead to a loss of protein function (PMID: 16199547), and loss-of-function variants in EYA4 are known to be pathogenic (PMID: 11159937, 25781927, 25963406).

Dr. Peter K. Rogan Lab, Western University
No classification provided (evidence only). Condition: Ovarian serous cystadenocarcinoma. Review status: no classification provided. Collection method: in vitro. Allele origin: not applicable. Functional consequence: retained intron. Not counted in ClinVar's aggregate classification.

Literature cited by the submitters: PubMed 16199547 (cited by Labcorp Genetics (formerly Invitae), Labcorp); PubMed 11159937 (cited by Labcorp Genetics (formerly Invitae), Labcorp); PubMed 25781927 (cited by Labcorp Genetics (formerly Invitae), Labcorp); PubMed 25963406 (cited by Labcorp Genetics (formerly Invitae), Labcorp).

NM_004100.5(EYA4):c.970+1G>T

Gene: EYA4 (EYA transcriptional coactivator and phosphatase 4; plus strand). Cytogenetic location: 6q23.2.
Variant type: single nucleotide variant.
Coding change: c.970+1G>T on transcript NM_004100.5 (MANE Select); the canonical splice donor site of the intron after coding-DNA position 970, G replaced by T.
Molecular consequence: splice donor variant. On other transcripts: missense variant (2).
Genome position (GRCh38, 1-based): chr6:133,468,732, G>T. VCF-style: chr6-133468732-G-T. GRCh37 (hg19) VCF-style: chr6-133789870-G-T.
Other names: c.971G>T, p.Gly324Val (NM_001301013.2); c.809G>T, p.Gly270Val (NM_001370459.1); c.970+1G>T (NM_172105.4); c.901+1G>T (NM_001370458.1, NM_172103.4); c.808+1G>T (NM_001301012.2); short protein forms G270V, G324V.
Identifiers: ClinVar variation 1065975 (VCV001065975.8), dbSNP rs2128674984, ClinGen allele CA365703973.